The following is an entry in ClinVar:

NM_001041.4(SI):c.687_689del (p.Ser230del)

Gene: SI (sucrase-isomaltase; minus strand). Cytogenetic location: 3q26.1.
Variant type: Deletion.
Coding change: c.687_689del on transcript NM_001041.4 (MANE Select); coding-DNA positions 687 to 689, 3 bases deleted (CTC; older notation c.687_689delCTC).
Protein change: p.Ser230del; deletes serine 230.
Molecular consequence: inframe deletion.
Genome position (GRCh38, 1-based): chr3:165,065,379-165,065,381, GAG deleted on the plus strand (CTC on the coding strand, the reverse complement: SI is on the minus strand). VCF-style (leftmost placement, unchanged base first): chr3-165065378-TGAG-T. GRCh37 (hg19) VCF-style: chr3-164783166-TGAG-T.
Other names: short protein forms S230del.
Identifiers: ClinVar variation 1973278 (VCV001973278.4), dbSNP rs1286911556, ClinGen allele CA547856485.

ClinVar aggregate classification (germline): Uncertain significance (1 of 4 stars; one submission).

Allele frequency attached by ClinVar (database versions not stated): gnomAD 0.00001; gnomAD exomes 0.00001; TOPMed 0.00001.

Submission:

Labcorp Genetics (formerly Invitae), Labcorp
Classification: Uncertain significance. Last evaluated: 2022-05-28. Review status: criteria provided, single submitter. Criteria: Invitae Variant Classification Sherloc (09022015). Collection method: clinical testing. Allele origin: germline.
Comment: In summary, the available evidence is currently insufficient to determine the role of this variant in disease. Therefore, it has been classified as a Variant of Uncertain Significance. Experimental studies and prediction algorithms are not available or were not evaluated, and the functional significance of this variant is currently unknown. This variant has not been reported in the literature in individuals affected with SI-related conditions. This variant is present in population databases (no rsID available, gnomAD 0.01%). This variant, c.687_689del, results in the deletion of 1 amino acid(s) of the SI protein (p.Ser230del), but otherwise preserves the integrity of the reading frame.